The following is an entry in ClinVar:

ClinVar aggregate classification (germline): Likely benign. Review status: criteria provided, multiple submitters, no conflicts (2 of 4 stars). 2 submissions from 2 submitters: Likely benign (2). Last evaluated 2024-10-16.

Conditions:
DYRK1B-related disorder. Also called: DYRK1B-related condition.

gnomAD v4.1: 4 of 1,521,814 alleles (0.00026%); highest among the groups gnomAD compares: African/African-American, 0.0028%; no homozygotes.

Submissions (2):

PreventionGenetics, part of Exact Sciences
Classification: Likely benign for DYRK1B-related condition. Last evaluated: 2024-10-16. Review status: criteria provided, single submitter. Criteria: ACMG Guidelines, 2015. Collection method: clinical testing. Allele origin: germline.
Comment: This variant is classified as likely benign based on ACMG/AMP sequence variant interpretation guidelines (Richards et al. 2015 PMID: 25741868, with internal and published modifications).

Labcorp Genetics (formerly Invitae), Labcorp
Classification: Likely benign. Last evaluated: 2023-11-04. Review status: criteria provided, single submitter. Criteria: Invitae Variant Classification Sherloc (09022015). Collection method: clinical testing. Allele origin: germline.

NM_004714.3(DYRK1B):c.1272G>C (p.Gly424=)

Gene: DYRK1B (dual specificity tyrosine phosphorylation regulated kinase 1B; minus strand). Cytogenetic location: 19q13.2.
Variant type: single nucleotide variant.
Coding change: c.1272G>C on transcript NM_004714.3 (MANE Select); coding-DNA position 1272, G replaced by C.
Protein change: p.Gly424=; no amino-acid change (glycine 424 retained).
Molecular consequence: synonymous variant.
Genome position (GRCh38, 1-based): chr19:39,826,811, C>G on the plus strand (G>C on the coding strand, the complement: DYRK1B is on the minus strand). VCF-style: chr19-39826811-C-G. GRCh37 (hg19) VCF-style: chr19-40317451-C-G.
Other names: c.1272G>C (NM_004714.2); c.1152G>C, p.Gly384= (NM_006483.3); c.1188G>C, p.Gly396= (NM_006484.3).
Identifiers: ClinVar variation 3001464 (VCV003001464.4), dbSNP rs1198523729, ClinGen allele CA507664421.